The following is an entry in ClinVar:

ClinVar aggregate classification (germline): Uncertain significance (1 of 4 stars; one submission).

Conditions:
Succinate-semialdehyde dehydrogenase deficiency (SSADHD). Also called: 4-HYDROXYBUTYRIC ACIDURIA; Succinic Semialdehyde Dehydrogenase Deficiency; GABA METABOLIC DEFECT; SSADH DEFICIENCY. Identifiers: Orphanet 22, MedGen C0268631, MONDO:0010083, OMIM 271980.

Submission:

Labcorp Genetics (formerly Invitae), Labcorp
Classification: Uncertain significance for Succinate-semialdehyde dehydrogenase deficiency. Last evaluated: 2022-06-17. Review status: criteria provided, single submitter. Criteria: Invitae Variant Classification Sherloc (09022015). Collection method: clinical testing. Allele origin: germline.
Comment: In summary, the available evidence is currently insufficient to determine the role of this variant in disease. Therefore, it has been classified as a Variant of Uncertain Significance. Variants that disrupt the consensus splice site are a relatively common cause of aberrant splicing (PMID: 17576681, 9536098). Algorithms developed to predict the effect of sequence changes on RNA splicing suggest that this variant may disrupt the consensus splice site. This variant has not been reported in the literature in individuals affected with ALDH5A1-related conditions. This variant is not present in population databases (gnomAD no frequency). This sequence change falls in intron 8 of the ALDH5A1 gene. It does not directly change the encoded amino acid sequence of the ALDH5A1 protein. It affects a nucleotide within the consensus splice site.

Literature cited by the submitters: PubMed 17576681; PubMed 9536098.

NM_001080.3(ALDH5A1):c.1344-3C>T

Gene: ALDH5A1 (aldehyde dehydrogenase 5 family member A1; plus strand). Cytogenetic location: 6p22.3.
Variant type: single nucleotide variant.
Coding change: c.1344-3C>T on transcript NM_001080.3 (MANE Select); 3 bases into the intron before coding-DNA position 1344, C replaced by T.
Molecular consequence: intron variant.
Genome position (GRCh38, 1-based): chr6:24,532,116, C>T. VCF-style: chr6-24532116-C-T. GRCh37 (hg19) VCF-style: chr6-24532344-C-T.
Other names: c.1383-3C>T (NM_170740.1); c.1200-3C>T (NM_001368954.1).
Identifiers: ClinVar variation 2132241 (VCV002132241.2), dbSNP rs2532886282, ClinGen allele CA2580074551.